The following is an entry in ClinVar:

NM_005228.5(EGFR):c.3472G>A (p.Ala1158Thr)

Gene: EGFR (epidermal growth factor receptor; plus strand). Cytogenetic location: 7p11.2.
Variant type: single nucleotide variant.
Coding change: c.3472G>A on transcript NM_005228.5 (MANE Select); coding-DNA position 3472, G replaced by A.
Protein change: p.Ala1158Thr; replaces alanine 1158 with threonine.
Molecular consequence: missense variant.
Genome position (GRCh38, 1-based): chr7:55,205,456, G>A. VCF-style: chr7-55205456-G-A. GRCh37 (hg19) VCF-style: chr7-55273149-G-A.
Other names: c.3337G>A, p.Ala1113Thr (NM_001346899.2); c.3313G>A, p.Ala1105Thr (NM_001346900.2); c.2671G>A, p.Ala891Thr (NM_001346941.2); short protein forms A1158T, A1105T, A1113T, A891T.
Identifiers: ClinVar variation 3507170 (VCV003507170.1).

ClinVar aggregate classification (germline): Uncertain significance (1 of 4 stars; one submission).

Conditions:
Hereditary cancer-predisposing syndrome. Also called: Tumor predisposition; Neoplastic Syndromes, Hereditary; Hereditary Cancer Syndrome; Hereditary neoplastic syndrome. Identifiers: Orphanet 140162, MedGen C0027672, MeSH D009386, MONDO:0015356.

gnomAD v4.1: 4 of 1,614,118 alleles (0.00025%); highest among the groups gnomAD compares: East Asian, 0.0022%; no homozygotes.

Submission:

Ambry Genetics
Classification: Uncertain significance for Hereditary cancer-predisposing syndrome. Last evaluated: 2024-11-23. Review status: criteria provided, single submitter. Criteria: Ambry Variant Classification Scheme 2023. Collection method: clinical testing. Allele origin: germline.
Comment: The p.A1158T variant (also known as c.3472G>A), located in coding exon 28 of the EGFR gene, results from a G to A substitution at nucleotide position 3472. The alanine at codon 1158 is replaced by threonine, an amino acid with similar properties. This amino acid position is conserved. In addition, this alteration is predicted to be tolerated by in silico analysis. Based on the available evidence, the clinical significance of this variant remains unclear.